The following is an entry in ClinVar:

ClinVar aggregate classification (germline): Likely pathogenic (1 of 4 stars; one submission).

Conditions:
Glycogen storage disease, type II (IOPD). Also called: Pompe Disease; CARDIOMEGALIA GLYCOGENICA DIFFUSA; GLYCOGENOSIS, GENERALIZED, CARDIAC FORM; GSD II; POMPE DISEASE, INFANTILE-ONSET; GLYCOGEN STORAGE DISEASE II, INFANTILE-ONSET. Identifiers: Orphanet 365, MedGen C0017921, MONDO:0009290, OMIM 232300.

Submission:

Genomenon, Inc
Classification: Likely pathogenic for Glycogen storage disease, type II. Last evaluated: 2026-07-01. Review status: criteria provided, single submitter. Criteria: Genomenon Sequence Variant Interpretation Standards - Updated. Collection method: curation. Allele origin: germline. Affected: yes.
Comment: GAA p.Pro347Arg (c.1040C>G) is a missense variant that changes the amino acid at codon 347 from Proline to Arginine. This variant has been observed in at least one proband with a GAA-related disorder (PMID:31193175;26497565;26873529). At least one functional study has demonstrated a substantial alteration in protein function relative to the wild-type (PMID:22644586). It is absent or not present at a significant frequency in gnomAD. In silico models predict that this variant is possibly or probably damaging. In conclusion, we classify GAA p.Pro347Arg (c.1040C>G) as a likely pathogenic variant.

Literature cited by the submitters: PubMed 31193175; PubMed 26497565; PubMed 26873529; PubMed 22644586.

NM_000152.5(GAA):c.1040C>G (p.Pro347Arg)

Gene: GAA (alpha glucosidase; plus strand). Cytogenetic location: 17q25.3.
Variant type: single nucleotide variant.
Coding change: c.1040C>G on transcript NM_000152.5 (MANE Select); coding-DNA position 1040, C replaced by G.
Protein change: p.Pro347Arg; replaces proline 347 with arginine.
Molecular consequence: missense variant.
Genome position (GRCh38, 1-based): chr17:80,108,374, C>G. VCF-style: chr17-80108374-C-G. GRCh37 (hg19) VCF-style: chr17-78082173-C-G.
Other names: c.1040C>G, p.Pro347Arg (NM_001079803.3, NM_001079804.3, NM_001406741.1 and 1 more transcripts); short protein forms P347R.
Identifiers: ClinVar variation 4876628 (VCV004876628.1).